The following is an entry in ClinVar:

ClinVar aggregate classification (germline): Benign/Likely benign. Review status: criteria provided, multiple submitters, no conflicts (2 of 4 stars). 2 submissions from 2 submitters: Benign (1); Likely benign (1). Last evaluated 2025-03-18.

Conditions:
Pheochromocytoma/paraganglioma syndrome 1. Also called: Paragangliomas 1; Glomus tumors familial 1; Paraganglioma - glomus jugulare; SDHD-Related Hereditary Paraganglioma-Pheochromocytoma Syndrome; PARAGANGLIOMAS, FAMILIAL NONCHROMAFFIN, 1; PGL 1. Identifiers: Orphanet 29072, MedGen C3494181, MONDO:0008192, OMIM 168000.
Carney-Stratakis syndrome. Also called: PARAGANGLIOMA AND GASTROINTESTINAL STROMAL TUMOR. Identifiers: Orphanet 97286, MedGen C1847319, MONDO:0011740, OMIM 606864.
Pheochromocytoma. Also called: MAX-Related Hereditary Paraganglioma-Pheochromocytoma Syndrome. Identifiers: Orphanet 29072, MedGen C0031511, MONDO:0008233, OMIM 171300, HP:0002666.
Paragangliomas with sensorineural hearing loss. Identifiers: MedGen C1868633.
Cowden syndrome 3 (CWS3). Identifiers: Orphanet 201, MedGen CN166604, MONDO:0014045.

Submissions (2):

Myriad Genetics, Inc.
Classification: Benign for Pheochromocytoma/paraganglioma syndrome 1. Last evaluated: 2025-03-18. Review status: criteria provided, single submitter. Criteria: Myriad Autosomal Dominant, Autosomal Recessive and X-Linked Classification Criteria (2023). Collection method: clinical testing. Allele origin: unknown.
Comment: This variant is considered benign. This variant is a silent/synonymous amino acid change and it is not expected to impact splicing.

Labcorp Genetics (formerly Invitae), Labcorp
Classification: Likely benign for Carney-Stratakis syndrome; Paragangliomas with sensorineural hearing loss; Pheochromocytoma; Cowden syndrome 3. Last evaluated: 2020-04-01. Review status: criteria provided, single submitter. Criteria: Invitae Variant Classification Sherloc (09022015). Collection method: clinical testing. Allele origin: germline.

NM_003002.4(SDHD):c.396A>C (p.Ser132=)

Gene: SDHD (succinate dehydrogenase complex subunit D; plus strand). Cytogenetic location: 11q23.1.
Variant type: single nucleotide variant.
Coding change: c.396A>C on transcript NM_003002.4 (MANE Select); coding-DNA position 396, A replaced by C.
Protein change: p.Ser132=; no amino-acid change (serine 132 retained).
Molecular consequence: synonymous variant. On other transcripts: missense variant (1), 3 prime UTR variant (1), non-coding transcript variant (1).
Genome position (GRCh38, 1-based): chr11:112,094,886, A>C. VCF-style: chr11-112094886-A-C. GRCh37 (hg19) VCF-style: chr11-111965610-A-C.
Other names: c.251A>C, p.Gln84Pro (NM_001276503.2); c.279A>C, p.Ser93= (NM_001276504.2); c.*94A>C (NM_001276506.2); short protein forms Q84P.
Identifiers: ClinVar variation 1118555 (VCV001118555.11), dbSNP rs2135277619, ClinGen allele CA382619197.